The following is an entry in ClinVar:

ClinVar aggregate classification (germline): Conflicting classifications of pathogenicity. Review status: criteria provided, conflicting classifications (1 of 4 stars). 4 submissions from 4 submitters: Uncertain significance (1); Likely benign (3). Last evaluated 2024-09-19.

Conditions:
Retinal dystrophy. Also called: Inherited retinal dystrophy. Identifiers: Orphanet 71862, MedGen C0854723, MeSH D058499, MONDO:0019118, HP:0000556.

Allele frequency attached by ClinVar (database versions not stated): gnomAD exomes below 0.00001; TOPMed below 0.00001; gnomAD 0.00001.
gnomAD v4.1: 5 of 1,613,494 alleles (0.00031%); highest among the groups gnomAD compares: Middle Eastern, 0.016%; no homozygotes.

Submissions (4):

Blueprint Genetics
Classification: Uncertain significance. Last evaluated: 2024-09-19. Review status: criteria provided, single submitter. Criteria: ACMG Guidelines, 2015. Collection method: clinical testing. Allele origin: germline.

Labcorp Genetics (formerly Invitae), Labcorp
Classification: Likely benign. Last evaluated: 2023-04-17. Review status: criteria provided, single submitter. Criteria: Invitae Variant Classification Sherloc (09022015). Collection method: clinical testing. Allele origin: germline.

CeGaT Center for Human Genetics Tuebingen
Classification: Likely benign. Last evaluated: 2023-02-01. Review status: criteria provided, single submitter. Criteria: CeGaT Center For Human Genetics Tuebingen Variant Classification Criteria Version 2. Collection method: clinical testing. Allele origin: germline. Affected: yes. Observed: 1 variant allele.
Comment: ABCA4: BP4, BP7

Institute of Human Genetics, Univ. Regensburg, Univ. Regensburg
Classification: Likely benign for Retinal dystrophy. Last evaluated: 2023-01-01. Review status: criteria provided, single submitter. Criteria: ACMG Guidelines, 2015. Collection method: clinical testing. Allele origin: germline. Affected: yes.

Literature cited by the submitters: PubMed 28118664 (cited by Institute of Human Genetics, Univ. Regensburg, Univ. Regensburg).

NM_000350.3(ABCA4):c.3900A>G (p.Arg1300=)

Gene: ABCA4 (ATP binding cassette subfamily A member 4; minus strand). Cytogenetic location: 1p22.1.
Variant type: single nucleotide variant.
Coding change: c.3900A>G on transcript NM_000350.3 (MANE Select); coding-DNA position 3900, A replaced by G.
Protein change: p.Arg1300=; no amino-acid change (arginine 1300 retained).
Molecular consequence: synonymous variant.
Genome position (GRCh38, 1-based): chr1:94,032,006, T>C on the plus strand (A>G on the coding strand, the complement: ABCA4 is on the minus strand). VCF-style: chr1-94032006-T-C. GRCh37 (hg19) VCF-style: chr1-94497562-T-C.
Other names: c.3678A>G, p.Arg1226= (NM_001425324.1).
Identifiers: ClinVar variation 236107 (VCV000236107.34), dbSNP rs886044739, ClinGen allele CA10602433.